The following is an entry in ClinVar:

NM_006180.6(NTRK2):c.3GTC[1] (p.Ser3del)

Gene: NTRK2 (neurotrophic receptor tyrosine kinase 2; plus strand). Cytogenetic location: 9q21.33.
Variant type: Microsatellite.
Coding change: c.3GTC[1] on transcript NM_006180.6 (MANE Select); one copy of the 3-base unit GTC starting at c.3; the reference has two copies in a row; one copy, 3 bases deleted.
Protein change: p.Ser3del; deletes serine 3.
Molecular consequence: inframe deletion, initiator codon variant. On other transcripts: inframe indel (1).
Genome position (GRCh38, 1-based): chr9:84,670,754-84,670,756, GTC deleted; deleting any 3 consecutive bases within chr9:84,670,751-84,670,756 gives the same sequence; the position shown is the placement nearest the transcript's 3' end. VCF-style (leftmost placement, unchanged base first): chr9-84670750-TGTC-T. GRCh37 (hg19) VCF-style: chr9-87285665-TGTC-T.
Other names: c.3GTC[1], p.Ser3del (NM_001007097.3, NM_001018064.3, NM_001018065.2 and 18 more transcripts); c.3_5GTC[1], p.Ser3del (NM_001381928.1); short protein forms S3del.
Identifiers: ClinVar variation 2121500 (VCV002121500.5), dbSNP rs1474485180, ClinGen allele CA589125077.

ClinVar aggregate classification (germline): Uncertain significance (1 of 4 stars; one submission).

Submission:

Labcorp Genetics (formerly Invitae), Labcorp
Classification: Uncertain significance. Last evaluated: 2022-04-10. Review status: criteria provided, single submitter. Criteria: Invitae Variant Classification Sherloc (09022015). Collection method: clinical testing. Allele origin: germline.
Comment: In summary, the available evidence is currently insufficient to determine the role of this variant in disease. Therefore, it has been classified as a Variant of Uncertain Significance. This variant has not been reported in the literature in individuals affected with NTRK2-related conditions. This variant is present in population databases (no rsID available, gnomAD 0.003%). This variant, c.6_8del, results in the deletion of 1 amino acid(s) of the NTRK2 protein (p.Ser3del), but otherwise preserves the integrity of the reading frame.